The following is an entry in ClinVar:

NM_007272.3(CTRC):c.509C>A (p.Ala170Asp)

Gene: CTRC (chymotrypsin C; plus strand). Cytogenetic location: 1p36.21.
Variant type: single nucleotide variant.
Coding change: c.509C>A on transcript NM_007272.3 (MANE Select); coding-DNA position 509, C replaced by A.
Protein change: p.Ala170Asp; replaces alanine 170 with aspartic acid.
Molecular consequence: missense variant.
Genome position (GRCh38, 1-based): chr1:15,444,621, C>A. VCF-style: chr1-15444621-C-A. GRCh37 (hg19) VCF-style: chr1-15771116-C-A.
Other names: short protein forms A170D.
Identifiers: ClinVar variation 4826380 (VCV004826380.1).

ClinVar aggregate classification (germline): Uncertain significance (1 of 4 stars; one submission).

Conditions:
Hereditary pancreatitis (PCTT). Also called: Hereditary chronic pancreatitis; PRSS1-Related Hereditary Pancreatitis. Identifiers: Orphanet 676, MedGen C0238339, MONDO:0008185, OMIM 167800.

gnomAD v4.1: 1 of 1,614,204 alleles (0.000062%); highest among the groups gnomAD compares: Admixed American, 0.0017%; no homozygotes.

Submission:

Ambry Genetics
Classification: Uncertain significance for Hereditary pancreatitis. Last evaluated: 2026-03-11. Review status: criteria provided, single submitter. Criteria: Ambry Variant Classification Scheme 2023. Collection method: clinical testing. Allele origin: germline.
Comment: The p.A170D variant (also known as c.509C>A), located in coding exon 6 of the CTRC gene, results from a C to A substitution at nucleotide position 509. The alanine at codon 170 is replaced by aspartic acid, an amino acid with dissimilar properties. This amino acid position is conserved. In addition, the in silico prediction for this alteration is inconclusive. Based on the available evidence, the clinical significance of this variant remains unclear.